The following is an entry in ClinVar:

NM_000051.4(ATM):c.728dup (p.Leu243fs)

Gene: ATM (ATM serine/threonine kinase; plus strand). Cytogenetic location: 11q22.3.
Variant type: Duplication.
Coding change: c.728dup on transcript NM_000051.4 (MANE Select); coding-DNA position 728, one base duplicated (T; older notation c.728dupT).
Protein change: p.Leu243fs; shifts the reading frame from leucine 243.
Molecular consequence: frameshift variant.
Genome position (GRCh38, 1-based): chr11:108,244,853, T duplicated; the last of 3 consecutive T bases (chr11:108,244,851-108,244,853); duplicating any one gives the same sequence. VCF-style (leftmost placement, unchanged base first): chr11-108244850-C-CT. GRCh37 (hg19) VCF-style: chr11-108115577-C-CT.
Other names: c.728dup, p.Leu243fs (NM_001351834.2); short protein forms L243fs.
Identifiers: ClinVar variation 1074976 (VCV001074976.10), dbSNP rs2135238938, ClinGen allele CA2499220547.

ClinVar aggregate classification (germline): Pathogenic. Review status: criteria provided, multiple submitters, no conflicts (2 of 4 stars). 3 submissions from 3 submitters: Pathogenic (3). Last evaluated 2024-01-10.

Conditions:
Hereditary cancer-predisposing syndrome. Also called: Neoplastic Syndromes, Hereditary; Hereditary neoplastic syndrome; Tumor predisposition; Hereditary Cancer Syndrome. Identifiers: Orphanet 140162, MedGen C0027672, MeSH D009386, MONDO:0015356.
Familial cancer of breast. Also called: BREAST CANCER, FAMILIAL; hereditary breast carcinoma; Hereditary breast cancer. Identifiers: Orphanet 227535, MedGen C0346153, MONDO:0016419, OMIM 114480. Disease mechanism: loss of function.
Ataxia-telangiectasia syndrome (AT). Also called: Cerebello-oculocutaneous telangiectasia; Immunodeficiency with ataxia telangiectasia; ATAXIA-TELANGIECTASIA, FRESNO VARIANT; Ataxia-telangiectasia, complementation group D; Ataxia telangiectasia (A-T); LOUIS-BAR SYNDROME. Identifiers: Orphanet 100, MedGen C0004135, MONDO:0008840, OMIM 208900.

Submissions (3):

Myriad Genetics, Inc.
Classification: Pathogenic for Familial cancer of breast. Last evaluated: 2024-01-10. Review status: criteria provided, single submitter. Criteria: Myriad Autosomal Dominant, Autosomal Recessive and X-Linked Classification Criteria (2023). Collection method: clinical testing. Allele origin: unknown.
Comment: This variant is considered pathogenic. This variant creates a frameshift predicted to result in premature protein truncation.

Ambry Genetics
Classification: Pathogenic for Hereditary cancer-predisposing syndrome. Last evaluated: 2022-06-16. Review status: criteria provided, single submitter. Criteria: Ambry Variant Classification Scheme 2023. Collection method: clinical testing. Allele origin: germline.
Comment: The c.728dupT pathogenic mutation, located in coding exon 6 of the ATM gene, results from a duplication of T at nucleotide position 728, causing a translational frameshift with a predicted alternate stop codon (p.L243Ffs*11). This variant is considered to be rare based on population cohorts in the Genome Aggregation Database (gnomAD). This alteration is expected to result in loss of function by premature protein truncation or nonsense-mediated mRNA decay. As such, this alteration is interpreted as a disease-causing mutation.

Labcorp Genetics (formerly Invitae), Labcorp
Classification: Pathogenic for Ataxia-telangiectasia syndrome. Last evaluated: 2022-06-15. Review status: criteria provided, single submitter. Criteria: Invitae Variant Classification Sherloc (09022015). Collection method: clinical testing. Allele origin: germline.
Comment: For these reasons, this variant has been classified as Pathogenic. ClinVar contains an entry for this variant (Variation ID: 1074976). This variant has not been reported in the literature in individuals affected with ATM-related conditions. This variant is not present in population databases (gnomAD no frequency). This sequence change creates a premature translational stop signal (p.Leu243Phefs*11) in the ATM gene. It is expected to result in an absent or disrupted protein product. Loss-of-function variants in ATM are known to be pathogenic (PMID: 23807571, 25614872).

Literature cited by the submitters: PubMed 23807571 (cited by Labcorp Genetics (formerly Invitae), Labcorp); PubMed 25614872 (cited by Labcorp Genetics (formerly Invitae), Labcorp).